The following is an entry in ClinVar:

NM_001048174.2(MUTYH):c.963G>A (p.Trp321Ter)

Gene: MUTYH (mutY DNA glycosylase; minus strand). Cytogenetic location: 1p34.1.
Variant type: single nucleotide variant.
Coding change: c.963G>A on transcript NM_001048174.2 (MANE Select); coding-DNA position 963, G replaced by A.
Protein change: p.Trp321Ter; replaces tryptophan 321 with a stop codon.
Molecular consequence: nonsense. On other transcripts: non-coding transcript variant (2).
Genome position (GRCh38, 1-based): chr1:45,331,800, C>T on the plus strand (G>A on the coding strand, the complement: MUTYH is on the minus strand). VCF-style: chr1-45331800-C-T. GRCh37 (hg19) VCF-style: chr1-45797472-C-T.
Other names: c.963G>A, p.Trp321Ter (NM_001048171.2, NM_001048173.2, NM_001293195.2); c.966G>A, p.Trp322Ter (NM_001048172.2); c.1047G>A, p.Trp349Ter (NM_001128425.2); c.1008G>A, p.Trp336Ter (NM_001293190.2); c.996G>A, p.Trp332Ter (NM_001293191.2); c.687G>A, p.Trp229Ter (NM_001293192.2, NM_001293196.2); c.618G>A, p.Trp206Ter (NM_001350650.2, NM_001350651.2); c.1038G>A, p.Trp346Ter (NM_012222.3); short protein forms W349*, W335*, W206*, W332*, W336*, W346*, W229*, W321*.
Identifiers: ClinVar variation 406829 (VCV000406829.16), dbSNP rs1060501324, ClinGen allele CA16610113.
Genomic context (GRCh38, chr1:45,331,800, plus strand): 5'-CTCCCTGGGGGGCTTGCGGCTGGCCTTTCTGGGGAAGTTGACCACTCCCAGGGTCTGGTC[C>T]CAGGGCTCCGAGGGAGGCAGGCACAGGTGGCACTGTCCAGTGTTGGGAGCTGGGAACGGA-3'

ClinVar aggregate classification (germline): Pathogenic/Likely pathogenic. Review status: criteria provided, multiple submitters, no conflicts (2 of 4 stars). 6 submissions from 6 submitters: Pathogenic (4); Likely pathogenic (1). 1 of the submissions does not count toward it. Last evaluated 2024-10-10.

Conditions:
Hereditary cancer-predisposing syndrome. Also called: Tumor predisposition; Hereditary Cancer Syndrome; Hereditary neoplastic syndrome; Neoplastic Syndromes, Hereditary. Identifiers: Orphanet 140162, MedGen C0027672, MeSH D009386, MONDO:0015356.
Familial adenomatous polyposis 2. Also called: COLORECTAL ADENOMATOUS POLYPOSIS, AUTOSOMAL RECESSIVE; MUTYH Polyposis; MUTYH-associated polyposis; MUTYH-related attenuated familial adenomatous polyposis; Adenomas, multiple colorectal; ADENOMAS, MULTIPLE COLORECTAL, AUTOSOMAL RECESSIVE. Identifiers: Orphanet 220460, Orphanet 247798, MedGen C3272841, MONDO:0012041, OMIM 608456.

Submissions (6):

Labcorp Genetics (formerly Invitae), Labcorp
Classification: Pathogenic for Familial adenomatous polyposis 2. Last evaluated: 2024-10-10. Review status: criteria provided, single submitter. Criteria: Invitae Variant Classification Sherloc (09022015). Collection method: clinical testing. Allele origin: germline.
Comment: This sequence change creates a premature translational stop signal (p.Trp349*) in the MUTYH gene. It is expected to result in an absent or disrupted protein product. Loss-of-function variants in MUTYH are known to be pathogenic (PMID: 18534194, 20663686). This variant is not present in population databases (gnomAD no frequency). This variant has not been reported in the literature in individuals affected with MUTYH-related conditions. ClinVar contains an entry for this variant (Variation ID: 406829). For these reasons, this variant has been classified as Pathogenic.

All of Us Research Program, National Institutes of Health
Classification: Pathogenic for Familial adenomatous polyposis 2. Last evaluated: 2023-06-08. Review status: criteria provided, single submitter. Criteria: ACMG Guidelines, 2015. Collection method: clinical testing. Allele origin: germline. Inheritance: Autosomal recessive inheritance. Observed: 1 variant allele, 1 heterozygote.
Comment: This variant changes 1 nucleotide in exon 12 of the MUTYH gene, creating a premature translation stop signal. This variant is expected to result in an absent or non-functional protein product. To our knowledge, this variant has not been reported in individuals affected with hereditary cancer in the literature. This variant has not been identified in the general population by the Genome Aggregation Database (gnomAD). Loss of MUTYH function is a known mechanism of disease. Based on the available evidence, this variant is classified as Pathogenic.

This study involves interpretation of variants in research participants for the purpose of population health screening. Participant phenotype was not available at the time of variant classification. Additional details can be found in publication PMID: 35346344, PMCID: PMC8962531

Color Diagnostics, LLC DBA Color Health
Classification: Pathogenic for Hereditary cancer-predisposing syndrome. Last evaluated: 2023-05-17. Review status: criteria provided, single submitter. Criteria: ACMG Guidelines, 2015. Collection method: clinical testing. Allele origin: germline.
Comment: This variant changes 1 nucleotide in exon 12 of the MUTYH gene, creating a premature translation stop signal. This variant is expected to result in an absent or non-functional protein product. To our knowledge, this variant has not been reported in individuals affected with hereditary cancer in the literature. This variant has not been identified in the general population by the Genome Aggregation Database (gnomAD). Loss of MUTYH function is a known mechanism of disease. Based on the available evidence, this variant is classified as Pathogenic.

Ambry Genetics
Classification: Pathogenic for Hereditary cancer-predisposing syndrome. Last evaluated: 2022-12-19. Review status: criteria provided, single submitter. Criteria: Ambry Variant Classification Scheme 2023. Collection method: clinical testing. Allele origin: germline.
Comment: The p.W349* pathogenic mutation (also known as c.1047G>A), located in coding exon 12 of the MUTYH gene, results from a G to A substitution at nucleotide position 1047. This changes the amino acid from a tryptophan to a stop codon within coding exon 12. This variant is considered to be rare based on population cohorts in the Genome Aggregation Database (gnomAD). This alteration is expected to result in loss of function by premature protein truncation or nonsense-mediated mRNA decay. As such, this alteration is interpreted as a disease-causing mutation.

Baylor Genetics
Classification: Likely pathogenic for Familial adenomatous polyposis 2. Last evaluated: 2022-10-27. Review status: criteria provided, single submitter. Criteria: ACMG Guidelines, 2015. Collection method: clinical testing. Allele origin: unknown.

Counsyl
Classification: Likely pathogenic for Familial adenomatous polyposis 2. Last evaluated: 2018-05-29. Review status: no assertion criteria provided. Collection method: clinical testing. Allele origin: unknown. Not counted in ClinVar's aggregate classification.

Literature cited by the submitters: PubMed 18534194 (cited by Labcorp Genetics (formerly Invitae), Labcorp); PubMed 20663686 (cited by Labcorp Genetics (formerly Invitae), Labcorp).